The following is an entry in ClinVar:

ClinVar aggregate classification (germline): Benign/Likely benign. Review status: criteria provided, multiple submitters, no conflicts (2 of 4 stars). 4 submissions from 4 submitters: Benign (1); Likely benign (3). Last evaluated 2026-01-19.

Conditions:
Creatine transporter deficiency (CCDS1). Also called: CREATINE TRANSPORTER DEFECT; Creatine Transporter (CRTR) Deficiency; CEREBRAL CREATINE DEFICIENCY SYNDROME 1; Mental retardation , X-linked with seizures, short stature and midface hypoplasia; Mental retardation , X-linked, with creatine transport deficiency; X-linked creatine transporter deficiency. Identifiers: Orphanet 52503, MedGen C1845862, MONDO:0010305, OMIM 300352.

Allele frequency attached by ClinVar (database versions not stated): gnomAD exomes 0.00004 and 0.00006; TOPMed 0.00004; ExAC 0.00007; gnomAD 0.00008 and 0.00009; ESP Exome Variant Server 0.00019.
gnomAD v4.1: 74 of 1,208,426 alleles (0.0061%); highest among the groups gnomAD compares: Non-Finnish European, 0.0074%; no homozygotes.

Submissions (4):

Labcorp Genetics (formerly Invitae), Labcorp
Classification: Benign for Creatine transporter deficiency. Last evaluated: 2026-01-19. Review status: criteria provided, single submitter. Criteria: Invitae Variant Classification Sherloc (09022015). Collection method: clinical testing. Allele origin: germline.

CeGaT Center for Human Genetics Tuebingen
Classification: Likely benign. Last evaluated: 2025-07-01. Review status: criteria provided, single submitter. Criteria: CeGaT Center For Human Genetics Tuebingen Variant Classification Criteria Version 2. Collection method: clinical testing. Allele origin: germline. Affected: yes. Observed: 1 variant allele.
Comment: SLC6A8: BP4, BS2

Blueprint Genetics
Classification: Likely benign. Last evaluated: 2024-10-10. Review status: criteria provided, single submitter. Criteria: ACMG Guidelines, 2015. Collection method: clinical testing. Allele origin: germline.

GeneDx
Classification: Likely benign. Last evaluated: 2021-05-20. Review status: criteria provided, single submitter. Criteria: GeneDx Variant Classification Process June 2021. Collection method: clinical testing. Allele origin: germline. Affected: yes.

NM_005629.4(SLC6A8):c.1141+6G>A

Gene: SLC6A8 (solute carrier family 6 member 8; plus strand). Cytogenetic location: Xq28.
Variant type: single nucleotide variant.
Coding change: c.1141+6G>A on transcript NM_005629.4 (MANE Select); 6 bases into the intron after coding-DNA position 1141, G replaced by A.
Molecular consequence: intron variant.
Genome position (GRCh38, 1-based): chrX:153,693,592, G>A. VCF-style: chrX-153693592-G-A. GRCh37 (hg19) VCF-style: chrX-152959047-G-A.
Other names: c.1111+6G>A (NM_001142805.2); c.796+6G>A (NM_001142806.1).
Identifiers: ClinVar variation 465139 (VCV000465139.24), dbSNP rs373124777, ClinGen allele CA10549418.